The following is an entry in ClinVar:

ClinVar aggregate classification (germline): Uncertain significance (1 of 4 stars; one submission).

Conditions:
Nephronophthisis. Also called: Juvenile Nephronophthisis. Identifiers: Orphanet 655, MedGen C0687120, MONDO:0019005, HP:0000090.

Allele frequency attached by ClinVar (database versions not stated): gnomAD exomes below 0.00001; gnomAD 0.00001; ExAC 0.00002; 1000 Genomes Project 30x 0.00016; 1000 Genomes Project 0.00020.
gnomAD v4.1: 8 of 1,614,148 alleles (0.0005%); highest among the groups gnomAD compares: South Asian, 0.0088%; no homozygotes.

Submission:

Labcorp Genetics (formerly Invitae), Labcorp
Classification: Uncertain significance for Nephronophthisis. Last evaluated: 2022-08-05. Review status: criteria provided, single submitter. Criteria: Invitae Variant Classification Sherloc (09022015). Collection method: clinical testing. Allele origin: germline.
Comment: In summary, the available evidence is currently insufficient to determine the role of this variant in disease. Therefore, it has been classified as a Variant of Uncertain Significance. Algorithms developed to predict the effect of missense changes on protein structure and function are either unavailable or do not agree on the potential impact of this missense change (SIFT: "Tolerated"; PolyPhen-2: "Probably Damaging"; Align-GVGD: "Class C0"). This variant has not been reported in the literature in individuals affected with NPHP3-related conditions. This variant is present in population databases (rs576998577, gnomAD 0.01%). This sequence change replaces leucine, which is neutral and non-polar, with valine, which is neutral and non-polar, at codon 953 of the NPHP3 protein (p.Leu953Val).

NM_153240.5(NPHP3):c.2857C>G (p.Leu953Val)

Genes: NPHP3 (nephrocystin 3; minus strand), NPHP3-ACAD11 (NPHP3-ACAD11 readthrough (NMD candidate); minus strand). Cytogenetic location: 3q22.1.
Variant type: single nucleotide variant.
Coding change: c.2857C>G on transcript NM_153240.5 (MANE Select); coding-DNA position 2857, C replaced by G.
Protein change: p.Leu953Val; replaces leucine 953 with valine.
Molecular consequence: missense variant. On other transcripts: non-coding transcript variant (1).
Genome position (GRCh38, 1-based): chr3:132,689,100, G>C on the plus strand (C>G on the coding strand, the complement: NPHP3 is on the minus strand). VCF-style: chr3-132689100-G-C. GRCh37 (hg19) VCF-style: chr3-132407944-G-C.
Other names: short protein forms L953V.
Identifiers: ClinVar variation 1909810 (VCV001909810.5), dbSNP rs576998577, ClinGen allele CA2621911.